The following is an entry in ClinVar:

ClinVar aggregate classification (germline): Likely benign (1 of 4 stars; one submission).

Allele frequency attached by ClinVar (database versions not stated): gnomAD exomes below 0.00001.
gnomAD v4.1: 2 of 1,613,818 alleles (0.00012%); highest among the groups gnomAD compares: Non-Finnish European, 0.00017%; no homozygotes.

Submission:

GeneDx
Classification: Likely benign. Last evaluated: 2016-02-16. Review status: criteria provided, single submitter. Criteria: GeneDx Variant Classification (06012015). Collection method: clinical testing. Allele origin: germline. Affected: yes.
Comment: This variant is considered likely benign or benign based on one or more of the following criteria: it is a conservative change, it occurs at a poorly conserved position in the protein, it is predicted to be benign by multiple in silico algorithms, and/or has population frequency not consistent with disease.

NM_000255.4(MMUT):c.1956+16G>T

Gene: MMUT (methylmalonyl-CoA mutase; minus strand). Cytogenetic location: 6p12.3.
Variant type: single nucleotide variant.
Coding change: c.1956+16G>T on transcript NM_000255.4 (MANE Select); 16 bases into the intron after coding-DNA position 1956, G replaced by T.
Molecular consequence: intron variant.
Genome position (GRCh38, 1-based): chr6:49,440,190, C>A on the plus strand (G>T on the coding strand, the complement: MMUT is on the minus strand). VCF-style: chr6-49440190-C-A. GRCh37 (hg19) VCF-style: chr6-49407903-C-A.
Identifiers: ClinVar variation 382644 (VCV000382644.1), dbSNP rs1057521406, ClinGen allele CA16605548.